The following is an entry in ClinVar:

ClinVar aggregate classification (germline): Conflicting classifications of pathogenicity. Review status: criteria provided, conflicting classifications (1 of 4 stars). 3 submissions from 3 submitters: Uncertain significance (2); Likely benign (1). Last evaluated 2024-11-02.

Conditions:
Hereditary cancer-predisposing syndrome. Also called: Neoplastic Syndromes, Hereditary; Tumor predisposition; Hereditary Cancer Syndrome; Hereditary neoplastic syndrome. Identifiers: Orphanet 140162, MedGen C0027672, MeSH D009386, MONDO:0015356.

Submissions (3):

Quest Diagnostics Nichols Institute San Juan Capistrano
Classification: Uncertain significance. Last evaluated: 2024-11-02. Review status: criteria provided, single submitter. Criteria: Quest Diagnostics criteria. Collection method: clinical testing. Allele origin: unknown.
Comment: The ATM c.6166C>T (p.Pro2056Ser) variant has not been reported in individuals with ATM-related conditions in the published literature. It also has not been reported in large, multi-ethnic general populations (Genome Aggregation Database). Analysis of this variant using bioinformatics tools for the prediction of the effect of amino acid changes on protein structure and function yielded predictions that this variant is benign. Based on the available information, we are unable to determine the clinical significance of this variant.

Ambry Genetics
Classification: Likely benign for Hereditary cancer-predisposing syndrome. Last evaluated: 2024-10-21. Review status: criteria provided, single submitter. Criteria: Ambry Variant Classification Scheme 2023. Collection method: clinical testing. Allele origin: germline.

GeneDx
Classification: Uncertain significance. Last evaluated: 2019-12-06. Review status: criteria provided, single submitter. Criteria: GeneDx Variant Classification Process June 2021. Collection method: clinical testing. Allele origin: germline. Affected: yes.
Comment: In silico analysis, which includes protein predictors and evolutionary conservation, supports that this variant does not alter protein structure/function; Has not been previously published as pathogenic or benign to our knowledge

Literature cited by the submitters: PubMed 29570743 (cited by Quest Diagnostics Nichols Institute San Juan Capistrano).

NM_000051.4(ATM):c.6166C>T (p.Pro2056Ser)

Genes: ATM (ATM serine/threonine kinase; plus strand), C11orf65 (chromosome 11 open reading frame 65; minus strand). Cytogenetic location: 11q22.3.
Variant type: single nucleotide variant.
Coding change: c.6166C>T on transcript NM_000051.4 (MANE Select); coding-DNA position 6166, C replaced by T.
Protein change: p.Pro2056Ser; replaces proline 2056 with serine.
Molecular consequence: missense variant. On other transcripts: intron variant (2).
Genome position (GRCh38, 1-based): chr11:108,316,081, C>T. VCF-style: chr11-108316081-C-T. GRCh37 (hg19) VCF-style: chr11-108186808-C-T.
Other names: c.6166C>T, p.Pro2056Ser (NM_001351834.2); c.641-7010G>A (NM_001330368.2); c.*39-7010G>A (NM_001351110.2); short protein forms P2056S.
Identifiers: ClinVar variation 1219365 (VCV001219365.7), dbSNP rs2084621820, ClinGen allele CA382550662.